The following is an entry in ClinVar:

ClinVar aggregate classification (germline): Uncertain significance (1 of 4 stars; one submission).

Submission:

GeneDx
Classification: Uncertain significance. Last evaluated: 2026-03-16. Review status: criteria provided, single submitter. Criteria: GeneDx Variant Classification Process June 2021. Collection method: clinical testing. Allele origin: germline.
Comment: Not observed at significant frequency in large population cohorts (gnomAD); In silico analysis supports that this missense variant has a deleterious effect on protein structure/function; Has not been previously published as pathogenic or benign to our knowledge

NM_001128.6(AP1G1):c.437T>C (p.Leu146Pro)

Gene: AP1G1 (adaptor related protein complex 1 subunit gamma 1; minus strand). Cytogenetic location: 16q22.2.
Variant type: single nucleotide variant.
Coding change: c.437T>C on transcript NM_001128.6 (MANE Select); coding-DNA position 437, T replaced by C.
Protein change: p.Leu146Pro; replaces leucine 146 with proline.
Molecular consequence: missense variant.
Genome position (GRCh38, 1-based): chr16:71,773,252, A>G on the plus strand (T>C on the coding strand, the complement: AP1G1 is on the minus strand). VCF-style: chr16-71773252-A-G. GRCh37 (hg19) VCF-style: chr16-71807155-A-G.
Other names: c.437T>C, p.Leu146Pro (NM_001030007.2); short protein forms L146P.
Identifiers: ClinVar variation 5009276 (VCV005009276.1).